The following is an entry in ClinVar:

ClinVar aggregate classification (germline): Uncertain significance (1 of 4 stars; one submission).

Conditions:
Arrhythmogenic right ventricular dysplasia 10. Also called: Arrhythmogenic right ventricular dysplasia/cardiomyopathy, type 10; ARRHYTHMOGENIC RIGHT VENTRICULAR DYSPLASIA, FAMILIAL, 10; Arrhythmogenic Right Ventricular Dysplasia/Cardiomyopathy10. Identifiers: MedGen C1857777, MONDO:0012434, OMIM 610193.

Submission:

Labcorp Genetics (formerly Invitae), Labcorp
Classification: Uncertain significance for Arrhythmogenic right ventricular dysplasia 10. Last evaluated: 2025-02-15. Review status: criteria provided, single submitter. Criteria: Invitae Variant Classification Sherloc (09022015). Collection method: clinical testing. Allele origin: germline.
Comment: This sequence change replaces proline, which is neutral and non-polar, with leucine, which is neutral and non-polar, at codon 123 of the DSG2 protein (p.Pro123Leu). This variant is not present in population databases (gnomAD no frequency). This variant has not been reported in the literature in individuals affected with DSG2-related conditions. ClinVar contains an entry for this variant (Variation ID: 2123758). Invitae Evidence Modeling of protein sequence and biophysical properties (such as structural, functional, and spatial information, amino acid conservation, physicochemical variation, residue mobility, and thermodynamic stability) has been performed for this missense variant. However, the output from this modeling did not meet the statistical confidence thresholds required to predict the impact of this variant on DSG2 protein function. In summary, the available evidence is currently insufficient to determine the role of this variant in disease. Therefore, it has been classified as a Variant of Uncertain Significance.

NM_001943.5(DSG2):c.368C>T (p.Pro123Leu)

Gene: DSG2 (desmoglein 2; plus strand). Cytogenetic location: 18q12.1.
Variant type: single nucleotide variant.
Coding change: c.368C>T on transcript NM_001943.5 (MANE Select); coding-DNA position 368, C replaced by T.
Protein change: p.Pro123Leu; replaces proline 123 with leucine.
Molecular consequence: missense variant.
Genome position (GRCh38, 1-based): chr18:31,520,954, C>T. VCF-style: chr18-31520954-C-T. GRCh37 (hg19) VCF-style: chr18-29100917-C-T.
Other names: short protein forms P123L.
Identifiers: ClinVar variation 2123758 (VCV002123758.4), dbSNP rs1246035638, ClinGen allele CA402131685.